The following is an entry in ClinVar:

NM_007186.6(CEP250):c.3173C>G (p.Thr1058Ser)

Gene: CEP250 (centrosomal protein 250; plus strand). Cytogenetic location: 20q11.22.
Variant type: single nucleotide variant.
Coding change: c.3173C>G on transcript NM_007186.6 (MANE Select); coding-DNA position 3173, C replaced by G.
Protein change: p.Thr1058Ser; replaces threonine 1058 with serine.
Molecular consequence: missense variant.
Genome position (GRCh38, 1-based): chr20:35,496,582, C>G. VCF-style: chr20-35496582-C-G. GRCh37 (hg19) VCF-style: chr20-34084411-C-G.
Other names: c.1277C>G, p.Thr426Ser (NM_001318219.1); c.3173C>G (NM_007186.3); short protein forms T426S, T1058S.
Identifiers: ClinVar variation 943514 (VCV000943514.10), dbSNP rs529608194, ClinGen allele CA9833410.

ClinVar aggregate classification (germline): Uncertain significance. Review status: criteria provided, multiple submitters, no conflicts (2 of 4 stars). 3 submissions from 3 submitters: Uncertain significance (3). Last evaluated 2025-07-31.

Allele frequency attached by ClinVar (database versions not stated): gnomAD exomes below 0.00001; ExAC 0.00001; gnomAD 0.00001; TOPMed 0.00001; 1000 Genomes Project 30x 0.00016; 1000 Genomes Project 0.00020.
gnomAD v4.1: 13 of 1,613,828 alleles (0.00081%); highest among the groups gnomAD compares: East Asian, 0.0067%; no homozygotes.

Submissions (3):

Labcorp Genetics (formerly Invitae), Labcorp
Classification: Uncertain significance. Last evaluated: 2025-07-31. Review status: criteria provided, single submitter. Criteria: Invitae Variant Classification Sherloc (09022015). Collection method: clinical testing. Allele origin: germline.
Comment: This sequence change replaces threonine, which is neutral and polar, with serine, which is neutral and polar, at codon 1058 of the CEP250 protein (p.Thr1058Ser). This variant is present in population databases (rs529608194, gnomAD 0.006%). This variant has not been reported in the literature in individuals affected with CEP250-related conditions. ClinVar contains an entry for this variant (Variation ID: 943514). An algorithm developed to predict the effect of missense changes on protein structure and function (PolyPhen-2) suggests that this variant is likely to be tolerated. In summary, the available evidence is currently insufficient to determine the role of this variant in disease. Therefore, it has been classified as a Variant of Uncertain Significance.

Ambry Genetics
Classification: Uncertain significance. Last evaluated: 2024-10-09. Review status: criteria provided, single submitter. Criteria: Ambry Variant Classification Scheme 2023. Collection method: clinical testing. Allele origin: germline.

Blueprint Genetics
Classification: Uncertain significance. Last evaluated: 2024-09-18. Review status: criteria provided, single submitter. Criteria: ACMG Guidelines, 2015. Collection method: clinical testing. Allele origin: germline.